The following is an entry in ClinVar:

ClinVar aggregate classification (germline): Conflicting classifications of pathogenicity. Review status: criteria provided, conflicting classifications (1 of 4 stars). 4 submissions from 4 submitters: Uncertain significance (2); Likely benign (2). Last evaluated 2026-05-28.

Conditions:
Glycogen storage disease IXd (GSD9D). Also called: GSD IXd; Muscle Phosphorylase Kinase Deficiency. Identifiers: Orphanet 715, MedGen C1845151, MONDO:0010362, OMIM 300559.

Allele frequency attached by ClinVar (database versions not stated): gnomAD exomes 0.00002; TOPMed 0.00002; gnomAD 0.00002; ExAC 0.00004.
gnomAD v4.1: 23 of 1,159,738 alleles (0.002%); highest among the groups gnomAD compares: East Asian, 0.003%; no homozygotes.

Submissions (4):

Women's Health and Genetics/Laboratory Corporation of America, LabCorp
Classification: Uncertain significance. Last evaluated: 2026-05-28. Review status: criteria provided, single submitter. Criteria: LabCorp Variant Classification Summary - May 2015. Collection method: clinical testing. Allele origin: germline.
Comment: Variant summary: PHKA1 c.2916C>T (p.Ser972Ser) alters a conserved nucleotide located close to a canonical splice site and therefore could affect mRNA splicing, leading to a significantly altered protein sequence. Several computational tools predict a significant impact on normal splicing: Three predict the variant weakens a 5' donor site. However, these predictions have yet to be confirmed by functional studies. The variant allele was found at a frequency of 2.2e-05 in 179718 control chromosomes. The available data on variant occurrences in the general population are insufficient to allow any conclusion about variant significance. To our knowledge, no occurrence of c.2916C>T in individuals affected with PHKA1-related conditions and no experimental evidence demonstrating its impact on protein function have been reported. ClinVar contains an entry for this variant (Variation ID: 915259). Based on the evidence outlined above, the variant was classified as uncertain significance.

Labcorp Genetics (formerly Invitae), Labcorp
Classification: Uncertain significance for Glycogen storage disease IXd. Last evaluated: 2023-05-22. Review status: criteria provided, single submitter. Criteria: Invitae Variant Classification Sherloc (09022015). Collection method: clinical testing. Allele origin: germline.
Comment: In summary, the available evidence is currently insufficient to determine the role of this variant in disease. Therefore, it has been classified as a Variant of Uncertain Significance. Algorithms developed to predict the effect of sequence changes on RNA splicing suggest that this variant is not likely to affect RNA splicing. ClinVar contains an entry for this variant (Variation ID: 915259). This variant has not been reported in the literature in individuals affected with PHKA1-related conditions. This variant is present in population databases (rs782102345, gnomAD 0.01%). This sequence change affects codon 972 of the PHKA1 mRNA. It is a 'silent' change, meaning that it does not change the encoded amino acid sequence of the PHKA1 protein. It affects a nucleotide within the consensus splice site.

GeneDx
Classification: Likely benign. Last evaluated: 2022-02-18. Review status: criteria provided, single submitter. Criteria: GeneDx Variant Classification Process June 2021. Collection method: clinical testing. Allele origin: germline. Affected: yes.
Comment: Has not been previously published as pathogenic or benign to our knowledge; Nucleotide substitution has no predicted effect on splicing and is not conserved across species

Illumina Laboratory Services, Illumina
Classification: Likely benign for Glycogen storage disease IXd. Last evaluated: 2018-01-12. Review status: criteria provided, single submitter. Criteria: ICSL Variant Classification Criteria 13 December 2019. Collection method: clinical testing. Allele origin: germline.
Comment: This variant was observed in the ICSL laboratory as part of a predisposition screen in an ostensibly healthy population. It had not been previously curated by ICSL or reported in the Human Gene Mutation Database (HGMD: prior to June 1st, 2018), and was therefore a candidate for classification through an automated scoring system. Utilizing variant allele frequency, disease prevalence and penetrance estimates, and inheritance mode, an automated score was calculated to assess if this variant is too frequent to cause the disease. Based on the score and internal cut-off values, a variant classified as likely benign is not then subjected to further curation. The score for this variant resulted in a classification of likely benign for this disease.

NM_002637.4(PHKA1):c.2916C>T (p.Ser972=)

Gene: PHKA1 (phosphorylase kinase regulatory subunit alpha 1; minus strand). Cytogenetic location: Xq13.1.
Variant type: single nucleotide variant.
Coding change: c.2916C>T on transcript NM_002637.4 (MANE Select); coding-DNA position 2916, C replaced by T.
Protein change: p.Ser972=; no amino-acid change (serine 972 retained).
Molecular consequence: synonymous variant.
Genome position (GRCh38, 1-based): chrX:72,603,120, G>A on the plus strand (C>T on the coding strand, the complement: PHKA1 is on the minus strand). VCF-style: chrX-72603120-G-A. GRCh37 (hg19) VCF-style: chrX-71822970-G-A.
Other names: c.2916C>T, p.Ser972= (NM_001122670.2); c.2739C>T, p.Ser913= (NM_001172436.2).
Identifiers: ClinVar variation 915259 (VCV000915259.11), dbSNP rs782102345, ClinGen allele CA10450600.